The following is an entry in ClinVar:

ClinVar aggregate classification (germline): Uncertain significance (1 of 4 stars; one submission).

Submission:

Labcorp Genetics (formerly Invitae), Labcorp
Classification: Uncertain significance. Last evaluated: 2022-03-02. Review status: criteria provided, single submitter. Criteria: Invitae Variant Classification Sherloc (09022015). Collection method: clinical testing. Allele origin: germline.
Comment: This sequence change replaces glutamic acid, which is acidic and polar, with glutamine, which is neutral and polar, at codon 1422 of the MYO18B protein (p.Glu1422Gln). This variant is not present in population databases (gnomAD no frequency). This variant has not been reported in the literature in individuals affected with MYO18B-related conditions. Algorithms developed to predict the effect of missense changes on protein structure and function are either unavailable or do not agree on the potential impact of this missense change (SIFT: "Not Available"; PolyPhen-2: "Probably Damaging"; Align-GVGD: "Not Available"). In summary, the available evidence is currently insufficient to determine the role of this variant in disease. Therefore, it has been classified as a Variant of Uncertain Significance.

NM_032608.7(MYO18B):c.4264G>C (p.Glu1422Gln)

Gene: MYO18B (myosin XVIIIB; plus strand). Cytogenetic location: 22q12.1.
Variant type: single nucleotide variant.
Coding change: c.4264G>C on transcript NM_032608.7 (MANE Select); coding-DNA position 4264, G replaced by C.
Protein change: p.Glu1422Gln; replaces glutamic acid 1422 with glutamine.
Molecular consequence: missense variant.
Genome position (GRCh38, 1-based): chr22:25,877,998, G>C. VCF-style: chr22-25877998-G-C. GRCh37 (hg19) VCF-style: chr22-26273965-G-C.
Other names: c.4267G>C, p.Glu1423Gln (NM_001318245.2); short protein forms E1422Q, E1423Q.
Identifiers: ClinVar variation 1953918 (VCV001953918.2), dbSNP rs2091247378, ClinGen allele CA411007957.